The following is an entry in ClinVar:

ClinVar aggregate classification (germline): Pathogenic (1 of 4 stars; one submission).

Conditions:
Early-infantile DEE. Also called: Early infantile epileptic encephalopathy with suppression bursts; Early infantile epileptic encephalopathy; Ohtahara syndrome. Identifiers: Orphanet 1934, MedGen C0393706, MONDO:0800491.

Submission:

Labcorp Genetics (formerly Invitae), Labcorp
Classification: Pathogenic for Early-infantile DEE. Last evaluated: 2025-08-30. Review status: criteria provided, single submitter. Criteria: Invitae Variant Classification Sherloc (09022015). Collection method: clinical testing. Allele origin: germline.
Comment: This sequence change creates a premature translational stop signal (p.Gln1488Argfs*13) in the SCN1A gene. It is expected to result in an absent or disrupted protein product. Loss-of-function variants in SCN1A are known to be pathogenic (PMID: 17347258, 18930999). This variant is not present in population databases (gnomAD no frequency). This variant has not been reported in the literature in individuals affected with SCN1A-related conditions. For these reasons, this variant has been classified as Pathogenic.

Literature cited by the submitters: PubMed 17347258; PubMed 18930999.

NM_001165963.4(SCN1A):c.4463del (p.Gln1488fs)

Genes: SCN1A (sodium voltage-gated channel alpha subunit 1; minus strand), LOC102724058 (uncharacterized LOC102724058; plus strand). Cytogenetic location: 2q24.3.
Variant type: Deletion.
Coding change: c.4463del on transcript NM_001165963.4 (MANE Select); coding-DNA position 4463, one base deleted (A; older notation c.4463delA).
Protein change: p.Gln1488fs; shifts the reading frame from glutamine 1488.
Molecular consequence: frameshift variant. On other transcripts: non-coding transcript variant (1).
Genome position (GRCh38, 1-based): chr2:165,998,051, T deleted on the plus strand (A on the coding strand, the reverse complement: SCN1A is on the minus strand). VCF-style (leftmost placement, unchanged base first): chr2-165998050-CT-C. GRCh37 (hg19) VCF-style: chr2-166854560-CT-C.
Other names: c.4379del, p.Gln1460fs (NM_001165964.3, NM_001353957.2, NM_001353958.2); c.4463del, p.Gln1488fs (NM_001202435.3, NM_001353948.2); c.4430del, p.Gln1477fs (NM_001353949.2, NM_001353950.2, NM_001353951.2 and 2 more transcripts); c.4427del, p.Gln1476fs (NM_001353954.2, NM_001353955.2); c.4376del, p.Gln1459fs (NM_001353960.2); c.2021del, p.Gln674fs (NM_001353961.2); short protein forms Q1459fs, Q1460fs, Q1477fs, Q1488fs, Q1476fs, Q674fs.
Identifiers: ClinVar variation 4726330 (VCV004726330.1).